The following is an entry in ClinVar:

ClinVar aggregate classification (germline): Pathogenic/Likely pathogenic. Review status: criteria provided, multiple submitters, no conflicts (2 of 4 stars). 2 submissions from 2 submitters: Pathogenic (1); Likely pathogenic (1). Last evaluated 2023-10-25.

Conditions:
Hypercholesterolemia, familial, 4 (FHCL4). Also called: HYPERCHOLESTEROLEMIA, AUTOSOMAL RECESSIVE, 1; HYPERCHOLESTEROLEMIA, AUTOSOMAL RECESSIVE, 2. Identifiers: Orphanet 391665, MedGen C1863512, MONDO:0011374, OMIM 603813.

Submissions (2):

Revvity Omics, Revvity
Classification: Likely pathogenic for Hypercholesterolemia, familial, 4. Last evaluated: 2023-10-25. Review status: criteria provided, single submitter. Criteria: ACMG Guidelines, 2015. Collection method: clinical testing. Allele origin: germline.

Labcorp Genetics (formerly Invitae), Labcorp
Classification: Pathogenic for Hypercholesterolemia, familial, 4. Last evaluated: 2020-12-01. Review status: criteria provided, single submitter. Criteria: Invitae Variant Classification Sherloc (09022015). Collection method: clinical testing. Allele origin: germline.
Comment: For these reasons, this variant has been classified as Pathogenic. This variant has not been reported in the literature in individuals with LDLRAP1-related conditions. This variant is present in population databases (rs758321083, ExAC 0.001%). This sequence change creates a premature translational stop signal (p.Leu147Serfs*15) in the LDLRAP1 gene. It is expected to result in an absent or disrupted protein product. Loss-of-function variants in LDLRAP1 are known to be pathogenic (PMID: 11326085, 12464675).

Literature cited by the submitters: PubMed 11326085 (cited by Labcorp Genetics (formerly Invitae), Labcorp); PubMed 12464675 (cited by Labcorp Genetics (formerly Invitae), Labcorp).

NM_015627.3(LDLRAP1):c.439del (p.Leu147fs)

Gene: LDLRAP1 (low density lipoprotein receptor adaptor protein 1; plus strand). Cytogenetic location: 1p36.11.
Variant type: Deletion.
Coding change: c.439del on transcript NM_015627.3 (MANE Select); coding-DNA position 439, one base deleted (C; older notation c.439delC).
Protein change: p.Leu147fs; shifts the reading frame from leucine 147.
Molecular consequence: frameshift variant.
Genome position (GRCh38, 1-based): chr1:25,557,247, C deleted; the last of 2 consecutive C bases (chr1:25,557,246-25,557,247); deleting either gives the same sequence. VCF-style (leftmost placement, unchanged base first): chr1-25557245-TC-T. GRCh37 (hg19) VCF-style: chr1-25883736-TC-T.
Other names: c.439del (NM_015627.2); short protein forms L147fs.
Identifiers: ClinVar variation 1457973 (VCV001457973.7), dbSNP rs758321083, ClinGen allele CA695547.